The following is an entry in ClinVar:

ClinVar aggregate classification (germline): Uncertain significance (1 of 4 stars; one submission).

Conditions:
Cardiovascular phenotype. Identifiers: MedGen CN230736.

gnomAD v4.1: 3 of 1,613,888 alleles (0.00019%); highest among the groups gnomAD compares: Non-Finnish European, 0.00025%; no homozygotes.

Submission:

Ambry Genetics
Classification: Uncertain significance for Cardiovascular phenotype. Last evaluated: 2026-05-14. Review status: criteria provided, single submitter. Criteria: Ambry Variant Classification Scheme 2023. Collection method: clinical testing. Allele origin: germline.
Comment: The p.C694Y variant (also known as c.2081G>A), located in coding exon 12 of the LDB3 gene, results from a G to A substitution at nucleotide position 2081. The cysteine at codon 694 is replaced by tyrosine, an amino acid with highly dissimilar properties. This amino acid position is conserved. In addition, this alteration is predicted to be deleterious by in silico analysis. Based on the available evidence, the clinical significance of this variant remains unclear.

NM_007078.3(LDB3):c.2081G>A (p.Cys694Tyr)

Gene: LDB3 (LIM domain binding 3; plus strand). Cytogenetic location: 10q23.2.
Variant type: single nucleotide variant.
Coding change: c.2081G>A on transcript NM_007078.3 (MANE Select); coding-DNA position 2081, G replaced by A.
Protein change: p.Cys694Tyr; replaces cysteine 694 with tyrosine.
Molecular consequence: missense variant.
Genome position (GRCh38, 1-based): chr10:86,726,239, G>A. VCF-style: chr10-86726239-G-A. GRCh37 (hg19) VCF-style: chr10-88485996-G-A.
Other names: c.1751G>A, p.Cys584Tyr (NM_001080114.2); c.2096G>A, p.Cys699Tyr (NM_001171610.2); c.1892G>A, p.Cys631Tyr (NM_001368064.1, NM_001368065.1); c.1940G>A, p.Cys647Tyr (NM_001368066.1); short protein forms C584Y, C631Y, C647Y, C694Y, C699Y.
Identifiers: ClinVar variation 4859156 (VCV004859156.1).